The following is an entry in ClinVar:

NM_198721.4(COL25A1):c.98C>T (p.Pro33Leu)

Gene: COL25A1 (collagen type XXV alpha 1 chain; minus strand). Cytogenetic location: 4q25.
Variant type: single nucleotide variant.
Coding change: c.98C>T on transcript NM_198721.4 (MANE Select); coding-DNA position 98, C replaced by T.
Protein change: p.Pro33Leu; replaces proline 33 with leucine.
Molecular consequence: missense variant. On other transcripts: non-coding transcript variant (1).
Genome position (GRCh38, 1-based): chr4:109,301,922, G>A on the plus strand (C>T on the coding strand, the complement: COL25A1 is on the minus strand). VCF-style: chr4-109301922-G-A. GRCh37 (hg19) VCF-style: chr4-110223078-G-A.
Other names: c.98C>T, p.Pro33Leu (NM_001256074.3, NM_032518.4); c.98C>T (NM_198721.3); short protein forms P33L.
Identifiers: ClinVar variation 2541902 (VCV002541902.3), dbSNP rs565780101, ClinGen allele CA3039994.

ClinVar aggregate classification (germline): Uncertain significance. Review status: criteria provided, multiple submitters, no conflicts (2 of 4 stars). 2 submissions from 2 submitters: Uncertain significance (2). Last evaluated 2023-05-02.

Conditions:
Inborn genetic diseases. Identifiers: MedGen C0950123, MeSH D030342.

gnomAD v4.1: 42 of 1,613,902 alleles (0.0026%); highest among the groups gnomAD compares: Non-Finnish European, 0.0034%; no homozygotes.

Submissions (2):

Ambry Genetics
Classification: Uncertain significance for Inborn genetic diseases. Last evaluated: 2023-05-02. Review status: criteria provided, single submitter. Criteria: Ambry Variant Classification Scheme 2023. Collection method: clinical testing. Allele origin: germline.

GeneDx
Classification: Uncertain significance. Last evaluated: 2023-03-11. Review status: criteria provided, single submitter. Criteria: GeneDx Variant Classification Process June 2021. Collection method: clinical testing. Allele origin: germline. Affected: yes.
Comment: Not observed at significant frequency in large population cohorts (gnomAD); In silico analysis supports that this missense variant has a deleterious effect on protein structure/function; Has not been previously published as pathogenic or benign to our knowledge; Variants in candidate genes are classified as variants of uncertain significance in accordance with ACMG guidelines (Richards et al., 2015)